The following is an entry in ClinVar:

NM_003482.4(KMT2D):c.14688C>A (p.Tyr4896Ter)

Gene: KMT2D (lysine methyltransferase 2D; minus strand). Cytogenetic location: 12q13.12.
Variant type: single nucleotide variant.
Coding change: c.14688C>A on transcript NM_003482.4 (MANE Select); coding-DNA position 14688, C replaced by A.
Protein change: p.Tyr4896Ter; replaces tyrosine 4896 with a stop codon.
Molecular consequence: nonsense.
Genome position (GRCh38, 1-based): chr12:49,027,278, G>T on the plus strand (C>A on the coding strand, the complement: KMT2D is on the minus strand). VCF-style: chr12-49027278-G-T. GRCh37 (hg19) VCF-style: chr12-49421061-G-T.
Other names: short protein forms Y4896*.
Identifiers: ClinVar variation 463010 (VCV000463010.6), dbSNP rs1555186079, ClinGen allele CA384692235.
Genomic context (GRCh38, chr12:49,027,278, plus strand): 5'-CGGGGAGGGTTCTTCAGGAGGTGGGGCCGAGAGCTGTCGCACATCCAGATTGGAGACATT[G>T]TAGGTATAGCTGTGCTGAGTGGGTGGCTCTGGGGCGGGGCTCTCCTGTAGGAGGGTGCCC-3'

ClinVar aggregate classification (germline): Pathogenic (1 of 4 stars; one submission).

Conditions:
Kabuki syndrome. Also called: Kabuki make-up syndrome; NIIKAWA-KUROKI SYNDROME. Identifiers: Orphanet 2322, MedGen C0796004, MONDO:0016512.

Submission:

Labcorp Genetics (formerly Invitae), Labcorp
Classification: Pathogenic for Kabuki syndrome. Last evaluated: 2016-09-01. Review status: criteria provided, single submitter. Criteria: Invitae Variant Classification Sherloc (09022015). Collection method: clinical testing. Allele origin: germline.
Comment: For these reasons, this variant has been classified as Pathogenic. While this particular variant has not been reported in the literature, loss-of-function variants in KMT2D are known to be pathogenic (PMID: 24633898). This sequence change creates a premature translational stop signal at codon 4896 (p.Tyr4896*) of the KMT2D gene. It is expected to result in an absent or disrupted protein product.

Literature cited by the submitters: PubMed 24633898.